The following is an entry in ClinVar:

NM_153460.4(IL17RC):c.1342T>C (p.Trp448Arg)

Gene: IL17RC (interleukin 17 receptor C; plus strand). Cytogenetic location: 3p25.3.
Variant type: single nucleotide variant.
Coding change: c.1342T>C on transcript NM_153460.4 (MANE Select); coding-DNA position 1342, T replaced by C.
Protein change: p.Trp448Arg; replaces tryptophan 448 with arginine.
Molecular consequence: missense variant. On other transcripts: non-coding transcript variant (1).
Genome position (GRCh38, 1-based): chr3:9,930,898, T>C. VCF-style: chr3-9930898-T-C. GRCh37 (hg19) VCF-style: chr3-9972582-T-C.
Other names: c.1342T>C, p.Trp448Arg (NM_001203263.2); c.1291T>C, p.Trp431Arg (NM_001203264.2); c.1246T>C, p.Trp416Arg (NM_001203265.2, NM_001410711.1); c.1303T>C, p.Trp435Arg (NM_001367278.1); c.1222T>C, p.Trp408Arg (NM_001367279.1); c.1297T>C, p.Trp433Arg (NM_001367280.1, NM_032732.6); c.1555T>C, p.Trp519Arg (NM_153461.4); short protein forms W408R, W431R, W519R, W448R, W416R, W433R, W435R.
Identifiers: ClinVar variation 2723892 (VCV002723892.3), dbSNP rs780471316, ClinGen allele CA2247245.
Genomic context (GRCh38, chr3:9,930,898, plus strand): 5'-GTGAATATTGGAACACCTGGCTGGTGCCCTGGATTTGGTTCTGTTTGTATCTTACAGCTA[T>C]GGGACGATGACTTGGGAGCGCTATGGGCCTGCCCCATGGACAAATGTGAGTATTGTAAGA-3'
Protein context (NP_703190.2, residues 438-458): DLQSGQCLQL[Trp448Arg]DDDLGALWAC

ClinVar aggregate classification (germline): Uncertain significance (1 of 4 stars; one submission).

Conditions:
Candidiasis, familial, 9 (CANDF9). Identifiers: Orphanet 1334, MedGen C4225324, MONDO:0014642, OMIM 616445.

Allele frequency attached by ClinVar (database versions not stated): ExAC 0.00001; gnomAD exomes 0.00001; TOPMed 0.00001; gnomAD 0.00003.
gnomAD v4.1: 12 of 1,613,972 alleles (0.00074%); highest among the groups gnomAD compares: South Asian, 0.011%; no homozygotes.

Submission:

Labcorp Genetics (formerly Invitae), Labcorp
Classification: Uncertain significance for Candidiasis, familial, 9. Last evaluated: 2023-07-16. Review status: criteria provided, single submitter. Criteria: Invitae Variant Classification Sherloc (09022015). Collection method: clinical testing. Allele origin: germline.
Comment: This variant is present in population databases (rs780471316, gnomAD 0.006%). This sequence change replaces tryptophan, which is neutral and slightly polar, with arginine, which is basic and polar, at codon 519 of the IL17RC protein (p.Trp519Arg). This variant has not been reported in the literature in individuals affected with IL17RC-related conditions. In summary, the available evidence is currently insufficient to determine the role of this variant in disease. Therefore, it has been classified as a Variant of Uncertain Significance. An algorithm developed to predict the effect of missense changes on protein structure and function (PolyPhen-2) suggests that this variant is likely to be tolerated.